The following is an entry in ClinVar:

ClinVar aggregate classification (germline): Uncertain significance (1 of 4 stars; one submission).

Conditions:
Cardiovascular phenotype. Identifiers: MedGen CN230736.

Submission:

Ambry Genetics
Classification: Uncertain significance for Cardiovascular phenotype. Last evaluated: 2024-05-11. Review status: criteria provided, single submitter. Criteria: Ambry Variant Classification Scheme 2023. Collection method: clinical testing. Allele origin: germline.
Comment: The p.E3800Q variant (also known as c.11398G>C), located in coding exon 43 of the ANK2 gene, results from a G to C substitution at nucleotide position 11398. The glutamic acid at codon 3800 is replaced by glutamine, an amino acid with highly similar properties. This amino acid position is conserved. In addition, the in silico prediction for this alteration is inconclusive. Based on the available evidence, the clinical significance of this variant remains unclear.

NM_001148.6(ANK2):c.11398G>C (p.Glu3800Gln)

Gene: ANK2 (ankyrin 2; plus strand). Cytogenetic location: 4q26.
Variant type: single nucleotide variant.
Coding change: c.11398G>C on transcript NM_001148.6 (MANE Select); coding-DNA position 11398, G replaced by C.
Protein change: p.Glu3800Gln; replaces glutamic acid 3800 with glutamine.
Molecular consequence: missense variant.
Genome position (GRCh38, 1-based): chr4:113,369,593, G>C. VCF-style: chr4-113369593-G-C. GRCh37 (hg19) VCF-style: chr4-114290749-G-C.
Other names: c.5116G>C, p.Glu1706Gln (NM_001127493.3); c.5155G>C, p.Glu1719Gln (NM_001354225.2); c.5044G>C, p.Glu1682Gln (NM_001354228.2, NM_001354258.2); c.5122G>C, p.Glu1708Gln (NM_001354230.2); c.5185G>C, p.Glu1729Gln (NM_001354231.2, NM_001354242.2); c.5179G>C, p.Glu1727Gln (NM_001354232.2); c.5140G>C, p.Glu1714Gln (NM_001354235.2, NM_001354246.2, NM_001354265.2); c.5041G>C, p.Glu1681Gln (NM_001354236.2); and 35 more; short protein forms E1587Q, E1637Q, E1642Q, E1644Q, E1661Q, E1670Q, E1681Q, E1693Q.
Identifiers: ClinVar variation 3295036 (VCV003295036.1).